The following is an entry in ClinVar:

ClinVar aggregate classification (germline): Uncertain significance (1 of 4 stars; one submission).

Submission:

Women's Health and Genetics/Laboratory Corporation of America, LabCorp
Classification: Uncertain significance. Last evaluated: 2024-10-22. Review status: criteria provided, single submitter. Criteria: LabCorp Variant Classification Summary - May 2015. Collection method: clinical testing. Allele origin: germline.
Comment: Variant summary: HSD17B4 c.71C>T (p.Ala24Val) results in a non-conservative amino acid change in the encoded protein sequence. Three of five in-silico tools predict a damaging effect of the variant on protein function. The variant was absent in 251444 control chromosomes. The available data on variant occurrences in the general population are insufficient to allow any conclusion about variant significance. c.71C>T has been reported in the literature in individuals affected with D-Bifunctional Protein Deficiency (Sawyer_2014). These data do not allow any conclusion about variant significance. To our knowledge, no experimental evidence demonstrating an impact on protein function has been reported. The following publication have been ascertained in the context of this evaluation (PMID: 24108619). No submitters have cited clinical-significance assessments for this variant to ClinVar. Based on the evidence outlined above, the variant was classified as uncertain significance.

Literature cited by the submitters: PubMed 24108619.

NM_000414.4(HSD17B4):c.71C>T (p.Ala24Val)

Gene: HSD17B4 (hydroxysteroid 17-beta dehydrogenase 4; plus strand). Cytogenetic location: 5q23.1.
Variant type: single nucleotide variant.
Coding change: c.71C>T on transcript NM_000414.4 (MANE Select); coding-DNA position 71, C replaced by T.
Protein change: p.Ala24Val; replaces alanine 24 with valine.
Molecular consequence: missense variant. On other transcripts: synonymous variant (1), 5 prime UTR variant (7), non-coding transcript variant (2), intron variant (1).
Genome position (GRCh38, 1-based): chr5:119,456,327, C>T. VCF-style: chr5-119456327-C-T. GRCh37 (hg19) VCF-style: chr5-118792022-C-T.
Other names: c.81C>T, p.Ser27= (NM_001199291.3); c.-67C>T (NM_001292027.2); c.-341C>T (NM_001292028.2, NM_001374501.1); c.71C>T, p.Ala24Val (NM_001374497.1, NM_001374498.1); c.-275C>T (NM_001374499.1); c.-468C>T (NM_001374500.1); c.-346C>T (NM_001374502.1); c.-411C>T (NM_001374503.1); and 1 more; short protein forms A24V.
Identifiers: ClinVar variation 3385156 (VCV003385156.1).